The following is an entry in ClinVar:

NM_001126108.2(SLC12A3):c.1096-540_1181-347del

Gene: SLC12A3 (solute carrier family 12 member 3; plus strand). Cytogenetic location: 16q13.
Variant type: Deletion.
Coding change: c.1096-540_1181-347del on transcript NM_001126108.2 (MANE Select); 540 bases into the intron before coding-DNA position 1096 through 347 bases into the intron before coding-DNA position 1181, 1,190 bases deleted.
Molecular consequence: splice acceptor variant, splice donor variant.
Genome position (GRCh38, 1-based): chr16:56,877,537-56,878,726, 1,190 bases deleted. GRCh37 (hg19): chr16:56,911,449-56,912,638.
Other names: c.1096-540_1181-347del (NM_000339.3); c.1093-540_1178-347del (NM_001126107.2).
Identifiers: ClinVar variation 1684167 (VCV001684167.1), ClinGen allele CA2573152363.

ClinVar aggregate classification (germline): Pathogenic (1 of 4 stars; one submission).

Conditions:
Familial hypokalemia-hypomagnesemia (GTLMNS). Also called: gitelman syndrome; HYPOMAGNESEMIA-HYPOKALEMIA, PRIMARY RENOTUBULAR, WITH HYPOCALCIURIA; POTASSIUM AND MAGNESIUM DEPLETION. Identifiers: Orphanet 358, MedGen C0268450, MONDO:0009904, OMIM 263800.

Submission:

European Hospital Georges Pompidou Genetics Department, Assistance Publique - Hôpitaux de Paris AP-HP
Classification: Pathogenic for Familial hypokalemia-hypomagnesemia. Last evaluated: 2022-04-27. Review status: criteria provided, single submitter. Criteria: ACMG Guidelines, 2015. Collection method: clinical testing. Allele origin: germline. Affected: yes.
Comment: ACMG criteria used:PVS1 PM2 PM3